The following is an entry in ClinVar:

ClinVar aggregate classification (germline): Conflicting classifications of pathogenicity. Review status: criteria provided, conflicting classifications (1 of 4 stars). 6 submissions from 6 submitters: Uncertain significance (5); Likely benign (1). Last evaluated 2026-09-21.

Conditions:
TTN-related disorder. Also called: TTN-related condition; TTN-related disease; TTN-related disorders.
Early-onset myopathy with fatal cardiomyopathy (CMYO5). Also called: Salih Myopathy; CONGENITAL MYOPATHY 5 WITH CARDIOMYOPATHY. Identifiers: Orphanet 289377, MedGen C2673677, MONDO:0012714, OMIM 611705. Disease mechanism: loss of function.
Dilated cardiomyopathy 1G (CMD1G). Identifiers: Orphanet 154, MedGen C1858763, MONDO:0011400, OMIM 604145.
Autosomal recessive limb-girdle muscular dystrophy type 2J (LGMDR10). Also called: Limb-girdle muscular dystrophy, type 2J; MUSCULAR DYSTROPHY, LIMB-GIRDLE, AUTOSOMAL RECESSIVE 10. Identifiers: Orphanet 140922, MedGen C1837342, MONDO:0012127, OMIM 608807.
Tibial muscular dystrophy (TMD). Also called: Tibial muscular dystrophy, tardive; Udd Distal Myopathy – Tibial Muscular Dystrophy; UDD MYOPATHY. Identifiers: Orphanet 609, MedGen C1838244, MONDO:0010870, OMIM 600334.
Myopathy, myofibrillar, 9, with early respiratory failure (MFM9). Also called: Myopathy, distal, with early respiratory failure, autosomal dominant; MYOPATHY, PROXIMAL, WITH EARLY RESPIRATORY MUSCLE INVOLVEMENT; Hereditary myopathy with early respiratory failure; EDSTROM MYOPATHY. Identifiers: Orphanet 178464, Orphanet 34521, MedGen C1863599, MONDO:0011362, OMIM 603689.
Hypertrophic cardiomyopathy 9. Also called: Familial hypertrophic cardiomyopathy 9. Identifiers: MedGen C1861065, MONDO:0013412, OMIM 613765.

Allele frequency attached by ClinVar (database versions not stated): gnomAD 0.00002; TOPMed 0.00002; ESP Exome Variant Server 0.00008.
gnomAD v4.1: 21 of 1,613,834 alleles (0.0013%); highest among the groups gnomAD compares: Admixed American, 0.01%; no homozygotes.

Submissions (6):

PreventionGenetics, part of Exact Sciences
Classification: Uncertain significance for TTN-related condition. Last evaluated: 2026-09-21. Review status: criteria provided, single submitter. Criteria: ACMG Guidelines, 2015. Collection method: clinical testing. Allele origin: germline.
Comment: The TTN c.9769C>A variant is predicted to result in the amino acid substitution p.Arg3257Ser. To our knowledge, this variant has not been reported in the literature. This variant is reported in 0.0058% of alleles in individuals of Latino descent in gnomAD. At this time, the clinical significance of this variant is uncertain due to the absence of conclusive functional and genetic evidence.

GeneDx
Classification: Uncertain significance. Last evaluated: 2026-02-09. Review status: criteria provided, single submitter. Criteria: GeneDx Variant Classification Process June 2021. Collection method: clinical testing. Allele origin: germline. Affected: yes.
Comment: Not observed at significant frequency in large population cohorts (gnomAD); Missense variant in a gene in which most reported pathogenic variants are truncating/loss of function; Has not been previously published as pathogenic or benign to our knowledge

Molecular Diagnostic Laboratory for Inherited Cardiovascular Disease, Montreal Heart Institute
Classification: Likely benign. Last evaluated: 2025-04-09. Review status: criteria provided, single submitter. Criteria: ACMG Guidelines, 2015. Collection method: clinical testing. Allele origin: germline. Affected: no.
Comment: BP1

Mayo Clinic Laboratories, Mayo Clinic
Classification: Uncertain significance. Last evaluated: 2023-06-21. Review status: criteria provided, single submitter. Criteria: ACMG Guidelines, 2015. Collection method: clinical testing. Allele origin: germline. Observed: 1 variant allele.
Comment: PP3

Fulgent Genetics
Classification: Uncertain significance for Tibial muscular dystrophy; Myopathy, myofibrillar, 9, with early respiratory failure; Dilated cardiomyopathy 1G; Autosomal recessive limb-girdle muscular dystrophy type 2J; Early-onset myopathy with fatal cardiomyopathy; Hypertrophic cardiomyopathy 9. Last evaluated: 2021-08-16. Review status: criteria provided, single submitter. Criteria: ACMG Guidelines, 2015. Collection method: clinical testing. Allele origin: unknown.

Revvity Omics, Revvity
Classification: Uncertain significance. Last evaluated: 2019-02-28. Review status: criteria provided, single submitter. Criteria: ACMG Guidelines, 2015. Collection method: clinical testing. Allele origin: germline.

NM_001267550.2(TTN):c.9769C>A (p.Arg3257Ser)

Gene: TTN (titin; minus strand). Cytogenetic location: 2q31.2.
Variant type: single nucleotide variant.
Coding change: c.9769C>A on transcript NM_001267550.2 (MANE Select); coding-DNA position 9769, C replaced by A.
Protein change: p.Arg3257Ser; replaces arginine 3257 with serine.
Molecular consequence: missense variant.
Genome position (GRCh38, 1-based): chr2:178,764,746, G>T on the plus strand (C>A on the coding strand, the complement: TTN is on the minus strand). VCF-style: chr2-178764746-G-T. GRCh37 (hg19) VCF-style: chr2-179629473-G-T.
Other names: p.R3257S:CGC>AGC; p.Arg3257Ser; c.9769C>A (NM_001267550.1); c.9769C>A, p.Arg3257Ser (NM_001256850.1, NM_133378.4, NM_133379.5); c.9631C>A, p.Arg3211Ser (NM_003319.4, NM_133432.3, NM_133437.4); short protein forms R3257S, R3211S.
Identifiers: ClinVar variation 203170 (VCV000203170.10), dbSNP rs374521620, ClinGen allele CA311557.
Genomic context (GRCh38, chr2:178,764,746, plus strand): 5'-GCTCTTCCTTGTACCAGGAAATTTTGGGCTGTGGTCTTCCGGATATCACGGCACAGAAGC[G>T]GGCAGGCTTGCCAGACTGCACAGTGACAGGCTGGAGCTCCTGCAGAACTTGGGGCGGTTC-3'
Protein context (NP_001254479.2, residues 3247-3267): PVTVQSGKPA[Arg3257Ser]FCAVISGRPQ